The following is an entry in ClinVar:

NM_005956.4(MTHFD1):c.655C>A (p.Pro219Thr)

Gene: MTHFD1 (methylenetetrahydrofolate dehydrogenase, cyclohydrolase and formyltetrahydrofolate synthetase 1; plus strand). Cytogenetic location: 14q23.3.
Variant type: single nucleotide variant.
Coding change: c.655C>A on transcript NM_005956.4 (MANE Select); coding-DNA position 655, C replaced by A.
Protein change: p.Pro219Thr; replaces proline 219 with threonine.
Molecular consequence: missense variant.
Genome position (GRCh38, 1-based): chr14:64,419,853, C>A. VCF-style: chr14-64419853-C-A. GRCh37 (hg19) VCF-style: chr14-64886571-C-A.
Other names: c.655C>A, p.Pro219Thr (NM_001364837.1); short protein forms P219T.
Identifiers: ClinVar variation 1383951 (VCV001383951.6), dbSNP rs1473413548, ClinGen allele CA389978871.

ClinVar aggregate classification (germline): Uncertain significance (1 of 4 stars; one submission).

Submission:

Labcorp Genetics (formerly Invitae), Labcorp
Classification: Uncertain significance. Last evaluated: 2021-11-27. Review status: criteria provided, single submitter. Criteria: Invitae Variant Classification Sherloc (09022015). Collection method: clinical testing. Allele origin: germline.
Comment: In summary, the available evidence is currently insufficient to determine the role of this variant in disease. Therefore, it has been classified as a Variant of Uncertain Significance. Algorithms developed to predict the effect of missense changes on protein structure and function are either unavailable or do not agree on the potential impact of this missense change (SIFT: "Deleterious"; PolyPhen-2: "Possibly Damaging"; Align-GVGD: "Class C0"). This variant has not been reported in the literature in individuals affected with MTHFD1-related conditions. This variant is not present in population databases (gnomAD no frequency). This sequence change replaces proline, which is neutral and non-polar, with threonine, which is neutral and polar, at codon 219 of the MTHFD1 protein (p.Pro219Thr).